The following is an entry in ClinVar:

NM_001349253.2(SCN11A):c.4622T>C (p.Met1541Thr)

Gene: SCN11A (sodium voltage-gated channel alpha subunit 11; minus strand). Cytogenetic location: 3p22.2.
Variant type: single nucleotide variant.
Coding change: c.4622T>C on transcript NM_001349253.2 (MANE Select); coding-DNA position 4622, T replaced by C.
Protein change: p.Met1541Thr; replaces methionine 1541 with threonine.
Molecular consequence: missense variant.
Genome position (GRCh38, 1-based): chr3:38,847,448, A>G on the plus strand (T>C on the coding strand, the complement: SCN11A is on the minus strand). VCF-style: chr3-38847448-A-G. GRCh37 (hg19) VCF-style: chr3-38888939-A-G.
Other names: c.4622T>C, p.Met1541Thr (NM_014139.3); short protein forms M1541T.
Identifiers: ClinVar variation 1465378 (VCV001465378.8), dbSNP rs2126076337, ClinGen allele CA352163135.

ClinVar aggregate classification (germline): Uncertain significance (1 of 4 stars; one submission).

Conditions:
Hereditary sensory and autonomic neuropathy type 7. Also called: Neuropathy, hereditary sensory and autonomic, type VII; HSAN VII. Identifiers: Orphanet 391397, MedGen C3809882, MONDO:0014244, OMIM 615548.
Familial episodic pain syndrome with predominantly lower limb involvement. Also called: Episodic pain syndrome, familial, 3. Identifiers: Orphanet 391384, Orphanet 391392, MedGen C3809899, MONDO:0014247, OMIM 615552.

Allele frequency attached by ClinVar (database versions not stated): gnomAD exomes below 0.00001.

Submission:

Labcorp Genetics (formerly Invitae), Labcorp
Classification: Uncertain significance for Familial episodic pain syndrome with predominantly lower limb involvement; Hereditary sensory and autonomic neuropathy type 7. Last evaluated: 2023-11-27. Review status: criteria provided, single submitter. Criteria: Invitae Variant Classification Sherloc (09022015). Collection method: clinical testing. Allele origin: germline.
Comment: This sequence change replaces methionine, which is neutral and non-polar, with threonine, which is neutral and polar, at codon 1541 of the SCN11A protein (p.Met1541Thr). This variant is not present in population databases (gnomAD no frequency). This variant has not been reported in the literature in individuals affected with SCN11A-related conditions. ClinVar contains an entry for this variant (Variation ID: 1465378). Advanced modeling of protein sequence and biophysical properties (such as structural, functional, and spatial information, amino acid conservation, physicochemical variation, residue mobility, and thermodynamic stability) performed at Invitae indicates that this missense variant is expected to disrupt SCN11A protein function with a positive predictive value of 80%. In summary, the available evidence is currently insufficient to determine the role of this variant in disease. Therefore, it has been classified as a Variant of Uncertain Significance.